The following is an entry in ClinVar:

ClinVar aggregate classification (germline): Uncertain significance. Review status: criteria provided, multiple submitters, no conflicts (2 of 4 stars). 2 submissions from 2 submitters: Uncertain significance (2). Last evaluated 2025-04-16.

Conditions:
Intellectual developmental disorder with autism and macrocephaly. Also called: Autism, susceptibility to, 18; CHD8-Related Neurodevelopmental Disorder with Overgrowth. Identifiers: Orphanet 642675, MedGen C3554373, MONDO:0014017, OMIM 615032.

gnomAD v4.1: 3 of 1,611,604 alleles (0.00019%); highest among the groups gnomAD compares: African/African-American, 0.0027%; no homozygotes.

Submissions (2):

Women's Health and Genetics/Laboratory Corporation of America, LabCorp
Classification: Uncertain significance. Last evaluated: 2025-04-16. Review status: criteria provided, single submitter. Criteria: LabCorp Variant Classification Summary - May 2015. Collection method: clinical testing. Allele origin: germline.
Comment: Variant summary: CHD8 c.2726C>T (p.Ser909Leu) results in a non-conservative amino acid change in the encoded protein sequence. Three of five in-silico tools predict a damaging effect of the variant on protein function. The variant allele was found at a frequency of 4e-06 in 247932 control chromosomes. The available data on variant occurrences in the general population are insufficient to allow any conclusion about variant significance. To our knowledge, no occurrence of c.2726C>T in individuals affected with CHD8-Related Disorders and no experimental evidence demonstrating its impact on protein function have been reported. No submitters have cited clinical-significance assessments for this variant to ClinVar. Based on the evidence outlined above, the variant was classified as uncertain significance.

GeneDx
Classification: Uncertain significance. Last evaluated: 2024-10-16. Review status: criteria provided, single submitter. Criteria: GeneDx Variant Classification Process June 2021. Collection method: clinical testing. Allele origin: germline. Affected: yes.
Comment: In silico analysis supports that this missense variant has a deleterious effect on protein structure/function; Has not been previously published as pathogenic or benign to our knowledge

NM_001170629.2(CHD8):c.2726C>T (p.Ser909Leu)

Gene: CHD8 (chromodomain helicase DNA binding protein 8; minus strand). Cytogenetic location: 14q11.2.
Variant type: single nucleotide variant.
Coding change: c.2726C>T on transcript NM_001170629.2 (MANE Select); coding-DNA position 2726, C replaced by T.
Protein change: p.Ser909Leu; replaces serine 909 with leucine.
Molecular consequence: missense variant.
Genome position (GRCh38, 1-based): chr14:21,408,316, G>A on the plus strand (C>T on the coding strand, the complement: CHD8 is on the minus strand). VCF-style: chr14-21408316-G-A. GRCh37 (hg19) VCF-style: chr14-21876475-G-A.
Other names: c.1889C>T, p.Ser630Leu (NM_020920.4); short protein forms S909L, S630L.
Identifiers: ClinVar variation 3781046 (VCV003781046.4).